The following is an entry in ClinVar:

ClinVar aggregate classification (germline): Uncertain significance (1 of 4 stars; one submission).

Conditions:
Inborn genetic diseases. Identifiers: MedGen C0950123, MeSH D030342.

Submission:

Ambry Genetics
Classification: Uncertain significance for Inborn genetic diseases. Last evaluated: 2025-10-19. Review status: criteria provided, single submitter. Criteria: Ambry Variant Classification Scheme 2023. Collection method: clinical testing. Allele origin: germline.
Comment: The p.D110N variant (also known as c.328G>A), located in coding exon 2 of the ANKRD26 gene, results from a G to A substitution at nucleotide position 328. The aspartic acid at codon 110 is replaced by asparagine, an amino acid with highly similar properties. This amino acid position is conserved. In addition, this alteration is predicted to be tolerated by in silico analysis. Based on the available evidence, the clinical significance of this variant remains unclear.

NM_014915.3(ANKRD26):c.328G>A (p.Asp110Asn)

Gene: ANKRD26 (ankyrin repeat domain 26; minus strand). Cytogenetic location: 10p12.1.
Variant type: single nucleotide variant.
Coding change: c.328G>A on transcript NM_014915.3 (MANE Select); coding-DNA position 328, G replaced by A.
Protein change: p.Asp110Asn; replaces aspartic acid 110 with asparagine.
Molecular consequence: missense variant.
Genome position (GRCh38, 1-based): chr10:27,093,714, C>T on the plus strand (G>A on the coding strand, the complement: ANKRD26 is on the minus strand). VCF-style: chr10-27093714-C-T. GRCh37 (hg19) VCF-style: chr10-27382643-C-T.
Other names: c.328G>A, p.Asp110Asn (NM_001256053.2); short protein forms D110N.
Identifiers: ClinVar variation 4579519 (VCV004579519.1).